The following is an entry in ClinVar:

NM_001267550.2(TTN):c.33580+2T>C

Gene: TTN (titin; minus strand). Cytogenetic location: 2q31.2.
Variant type: single nucleotide variant.
Coding change: c.33580+2T>C on transcript NM_001267550.2 (MANE Select); the canonical splice donor site of the intron after coding-DNA position 33580, T replaced by C.
Molecular consequence: splice donor variant. On other transcripts: intron variant (3).
Genome position (GRCh38, 1-based): chr2:178,679,892, A>G on the plus strand (T>C on the coding strand, the complement: TTN is on the minus strand). VCF-style: chr2-178679892-A-G. GRCh37 (hg19) VCF-style: chr2-179544619-A-G.
Other names: c.13283-37575T>C (NM_003319.4); c.13859-37575T>C (NM_133437.4); c.13658-37575T>C (NM_133432.3); c.29848+2T>C (NM_133378.4); c.32629+2T>C (NM_001256850.1).
Identifiers: ClinVar variation 1982571 (VCV001982571.4), dbSNP rs2068947331, ClinGen allele CA349536866.

ClinVar aggregate classification (germline): Likely pathogenic (1 of 4 stars; one submission).

Conditions:
Dilated cardiomyopathy 1G (CMD1G). Identifiers: Orphanet 154, MedGen C1858763, MONDO:0011400, OMIM 604145.
Autosomal recessive limb-girdle muscular dystrophy type 2J (LGMDR10). Also called: Limb-girdle muscular dystrophy, type 2J; MUSCULAR DYSTROPHY, LIMB-GIRDLE, AUTOSOMAL RECESSIVE 10. Identifiers: Orphanet 140922, MedGen C1837342, MONDO:0012127, OMIM 608807.

Allele frequency attached by ClinVar (database versions not stated): gnomAD exomes 0.00001.
gnomAD v4.1: 7 of 1,612,826 alleles (0.00043%); highest among the groups gnomAD compares: East Asian, 0.013%; no homozygotes.

Submission:

Labcorp Genetics (formerly Invitae), Labcorp
Classification: Likely pathogenic for Dilated cardiomyopathy 1G; Autosomal recessive limb-girdle muscular dystrophy type 2J. Last evaluated: 2024-11-04. Review status: criteria provided, single submitter. Criteria: Invitae Variant Classification Sherloc (09022015). Collection method: clinical testing. Allele origin: germline.
Comment: This sequence change affects a donor splice site in intron 140 of the TTN gene. It is expected to disrupt RNA splicing and likely results in a truncated or disrupted TTN protein. This variant is not present in population databases (gnomAD no frequency). This variant has not been reported in the literature in individuals affected with TTN-related conditions. ClinVar contains an entry for this variant (Variation ID: 1982571). Algorithms developed to predict the effect of sequence changes on RNA splicing suggest that this variant may disrupt the consensus splice site. This variant is located in the I band of TTN (PMID: 25589632). Truncating variants in this region have been reported in individuals affected with autosomal recessive centronuclear myopathy (PMID: 23975875, internal data). Truncating variants in this region have also been identified in individuals affected with autosomal dominant dilated cardiomyopathy and/or cardio-related conditions (PMID: 27869827, 32964742, internal data). In summary, the currently available evidence indicates that the variant is pathogenic, but additional data are needed to prove that conclusively. Therefore, this variant has been classified as Likely Pathogenic.

Literature cited by the submitters: PubMed 25589632; PubMed 23975875; PubMed 27869827; PubMed 32964742.